The following is an entry in ClinVar:

NM_001029883.3(PCARE):c.961C>G (p.Leu321Val)

Gene: PCARE (photoreceptor cilium actin regulator; minus strand). Cytogenetic location: 2p23.2.
Variant type: single nucleotide variant.
Coding change: c.961C>G on transcript NM_001029883.3 (MANE Select); coding-DNA position 961, C replaced by G.
Protein change: p.Leu321Val; replaces leucine 321 with valine.
Molecular consequence: missense variant.
Genome position (GRCh38, 1-based): chr2:29,073,301, G>C on the plus strand (C>G on the coding strand, the complement: PCARE is on the minus strand). VCF-style: chr2-29073301-G-C. GRCh37 (hg19) VCF-style: chr2-29296167-G-C.
Other names: short protein forms L321V.
Identifiers: ClinVar variation 738565 (VCV000738565.13), dbSNP rs147450324, ClinGen allele CA1592531.

ClinVar aggregate classification (germline): Benign/Likely benign. Review status: criteria provided, multiple submitters, no conflicts (2 of 4 stars). 4 submissions from 4 submitters: Benign (1); Likely benign (3). Last evaluated 2026-01-18.

Conditions:
PCARE-related disorder. Also called: PCARE-related condition.

Allele frequency attached by ClinVar (database versions not stated): gnomAD exomes 0.00007 and 0.00014; ExAC 0.00025; 1000 Genomes Project 30x 0.00047; 1000 Genomes Project 0.00060; ESP Exome Variant Server 0.00062; gnomAD 0.00077 and 0.00078; TOPMed 0.00091.

Submissions (4):

Labcorp Genetics (formerly Invitae), Labcorp
Classification: Likely benign. Last evaluated: 2026-01-18. Review status: criteria provided, single submitter. Criteria: Invitae Variant Classification Sherloc (09022015). Collection method: clinical testing. Allele origin: germline.

PreventionGenetics, part of Exact Sciences
Classification: Likely benign for PCARE-related condition. Last evaluated: 2025-01-15. Review status: criteria provided, single submitter. Criteria: ACMG Guidelines, 2015. Collection method: clinical testing. Allele origin: germline.
Comment: This variant is classified as likely benign based on ACMG/AMP sequence variant interpretation guidelines (Richards et al. 2015 PMID: 25741868, with internal and published modifications).

Blueprint Genetics
Classification: Benign. Last evaluated: 2024-09-27. Review status: criteria provided, single submitter. Criteria: ACMG Guidelines, 2015. Collection method: clinical testing. Allele origin: germline.

Breakthrough Genomics
Classification: Likely benign. Review status: criteria provided, single submitter. Criteria: ACMG Guidelines, 2015. Collection method: not provided. Allele origin: germline. Inheritance: Unknown mechanism. Affected: yes.